The following is an entry in ClinVar:

NM_015107.3(PHF8):c.758C>T (p.Thr253Ile)

Gene: PHF8 (PHD finger protein 8; minus strand). Cytogenetic location: Xp11.22.
Variant type: single nucleotide variant.
Coding change: c.758C>T on transcript NM_015107.3 (MANE Select); coding-DNA position 758, C replaced by T.
Protein change: p.Thr253Ile; replaces threonine 253 with isoleucine.
Molecular consequence: missense variant.
Genome position (GRCh38, 1-based): chrX:54,014,402, G>A on the plus strand (C>T on the coding strand, the complement: PHF8 is on the minus strand). VCF-style: chrX-54014402-G-A. GRCh37 (hg19) VCF-style: chrX-54040835-G-A.
Other names: c.866C>T, p.Thr289Ile (NM_001184896.1, NM_001441096.1, NM_001441097.1 and 1 more transcripts); c.758C>T, p.Thr253Ile (NM_001184897.2, NM_001184898.2); short protein forms T253I, T289I.
Identifiers: ClinVar variation 4537996 (VCV004537996.1).
Genomic context (GRCh38, chrX:54,014,402, plus strand): 5'-GCCTGGCTGCCTCCAGAAGCCATGCGCATTCCTACCTTGAGTACATGGTACCAGACAGAG[G>A]TGCCACCAAAGTCAATGTGAAAGTCTGTATAGCTATCTCGCACACTCATGAGGCAGTACT-3'
Protein context (NP_055922.1, residues 243-263): YTDFHIDFGG[Thr253Ile]SVWYHVLKGE

ClinVar aggregate classification (germline): Uncertain significance (1 of 4 stars; one submission).

Submission:

GeneDx
Classification: Uncertain significance. Last evaluated: 2025-06-09. Review status: criteria provided, single submitter. Criteria: GeneDx Variant Classification Process June 2021. Collection method: clinical testing. Allele origin: germline. Affected: yes.
Comment: Not observed at significant frequency in large population cohorts (gnomAD); In silico analysis supports that this missense variant has a deleterious effect on protein structure/function; Has not been previously published as pathogenic or benign to our knowledge